The following is an entry in ClinVar:

NM_001130144.3(LTBP3):c.3771G>C (p.Glu1257Asp)

Gene: LTBP3 (latent transforming growth factor beta binding protein 3; minus strand). Cytogenetic location: 11q13.1.
Variant type: single nucleotide variant.
Coding change: c.3771G>C on transcript NM_001130144.3 (MANE Select); coding-DNA position 3771, G replaced by C.
Protein change: p.Glu1257Asp; replaces glutamic acid 1257 with aspartic acid.
Molecular consequence: missense variant.
Genome position (GRCh38, 1-based): chr11:65,539,221, C>G on the plus strand (G>C on the coding strand, the complement: LTBP3 is on the minus strand). VCF-style: chr11-65539221-C-G. GRCh37 (hg19) VCF-style: chr11-65306692-C-G.
Other names: c.3279G>C, p.Glu1093Asp (NM_001164266.1); c.3630G>C, p.Glu1210Asp (NM_021070.4); short protein forms E1210D, E1093D, E1257D.
Identifiers: ClinVar variation 3022037 (VCV003022037.3), dbSNP rs1223238351, ClinGen allele CA381266058.

ClinVar aggregate classification (germline): Uncertain significance (1 of 4 stars; one submission).

Conditions:
Brachyolmia-amelogenesis imperfecta syndrome. Also called: Tooth agenesis, selective, 6; PLATYSPONDYLY WITH AMELOGENESIS IMPERFECTA; Dental anomalies and short stature. Identifiers: Orphanet 2899, MedGen C1832594, MONDO:0011018, OMIM 601216. Disease mechanism: loss of function.

gnomAD v4.1: 3 of 1,526,886 alleles (0.0002%); highest among the groups gnomAD compares: Non-Finnish European, 0.00026%; no homozygotes.

Submission:

Labcorp Genetics (formerly Invitae), Labcorp
Classification: Uncertain significance for Brachyolmia-amelogenesis imperfecta syndrome. Last evaluated: 2026-01-06. Review status: criteria provided, single submitter. Criteria: Invitae Variant Classification Sherloc (09022015). Collection method: clinical testing. Allele origin: germline.
Comment: This sequence change replaces glutamic acid, which is acidic and polar, with aspartic acid, which is acidic and polar, at codon 1257 of the LTBP3 protein (p.Glu1257Asp). This variant is not present in population databases (gnomAD no frequency). This missense change has been observed in individual(s) with aortic dissection (PMID: 29625025). ClinVar contains an entry for this variant (Variation ID: 3022037). An algorithm developed to predict the effect of missense changes on protein structure and function (PolyPhen-2) suggests that this variant is likely to be disruptive. In summary, the available evidence is currently insufficient to determine the role of this variant in disease. Therefore, it has been classified as a Variant of Uncertain Significance.

Literature cited by the submitters: PubMed 29625025.